The following is an entry in ClinVar:

NM_005337.5(NCKAP1L):c.2107A>G (p.Ile703Val)

Gene: NCKAP1L (NCK associated protein 1 like; plus strand). Cytogenetic location: 12q13.2.
Variant type: single nucleotide variant.
Coding change: c.2107A>G on transcript NM_005337.5 (MANE Select); coding-DNA position 2107, A replaced by G.
Protein change: p.Ile703Val; replaces isoleucine 703 with valine.
Molecular consequence: missense variant.
Genome position (GRCh38, 1-based): chr12:54,523,907, A>G. VCF-style: chr12-54523907-A-G. GRCh37 (hg19) VCF-style: chr12-54917691-A-G.
Other names: c.1957A>G, p.Ile653Val (NM_001184976.2); short protein forms I653V, I703V.
Identifiers: ClinVar variation 2421868 (VCV002421868.6), dbSNP rs1285126908, ClinGen allele CA385140207.
Genomic context (GRCh38, chr12:54,523,907, plus strand): 5'-TTGACAGAACTGGCACTGACAATGAATCATGTATACAGTTTCTCCGTGTTTGAACATACT[A>G]TCTTCCCTTCTGAGTACCTCAGCAGCCACCTGGAGGCCAGACTCAACAGGTATCACTCTT-3'
Protein context (NP_005328.2, residues 693-713): VYSFSVFEHT[Ile703Val]FPSEYLSSHL

ClinVar aggregate classification (germline): Uncertain significance (1 of 4 stars; one submission).

Allele frequency attached by ClinVar (database versions not stated): gnomAD 0.00001; gnomAD exomes 0.00001; TOPMed 0.00001.
gnomAD v4.1: 9 of 1,614,010 alleles (0.00056%); highest among the groups gnomAD compares: Non-Finnish European, 0.00068%; no homozygotes.

Submission:

Labcorp Genetics (formerly Invitae), Labcorp
Classification: Uncertain significance. Last evaluated: 2024-05-28. Review status: criteria provided, single submitter. Criteria: Invitae Variant Classification Sherloc (09022015). Collection method: clinical testing. Allele origin: germline.
Comment: This sequence change replaces isoleucine, which is neutral and non-polar, with valine, which is neutral and non-polar, at codon 703 of the NCKAP1L protein (p.Ile703Val). This variant is present in population databases (no rsID available, gnomAD 0.0009%). This variant has not been reported in the literature in individuals affected with NCKAP1L-related conditions. ClinVar contains an entry for this variant (Variation ID: 2421868). Algorithms developed to predict the effect of missense changes on protein structure and function output the following: SIFT: "Not Available"; PolyPhen-2: "Benign"; Align-GVGD: "Not Available". The valine amino acid residue is found in multiple mammalian species, which suggests that this missense change does not adversely affect protein function. In summary, the available evidence is currently insufficient to determine the role of this variant in disease. Therefore, it has been classified as a Variant of Uncertain Significance.